The following is an entry in ClinVar:

ClinVar aggregate classification (germline): Pathogenic (0 of 4 stars; one submission).

Conditions:
Steinert myotonic dystrophy syndrome (DM1). Also called: STEINERT DISEASE; Myotonic dystrophy type 1; Dystrophia myotonica type 1; Steinert myotonic dystrophy; Steinert's disease. Identifiers: Orphanet 273, MedGen C3250443, MONDO:0008056, OMIM 160900.

Submission:

Institute of Molecular, Cell and Systems Biology, University of Glasgow
Classification: Pathogenic for Steinert myotonic dystrophy syndrome. Review status: no assertion criteria provided. Criteria: research. Collection method: research. Allele origin: germline. Inheritance: Autosomal dominant inheritance. Affected: no and yes. Observed: 2 heterozygotes.
Comment: DMPK CTG repeat expansions greater than approximately 45-50 repeats are assumed to be pathogenic

This record is based on data published in PubMed 25052313, which reports only ClinVar accessions SCV000120188 and SCV000120189. The complete data set includes SCV000207445 - SCV000207579.

Literature cited by the submitters: PubMed 1346923; PubMed 1546326; PubMed 25052313.

NM_004409.5(DMPK):c.*224CTG[271]

Genes: DM1-AS (DM1 locus antisense RNA; plus strand), DMPK (DM1 protein kinase; minus strand), LOC107075317 (origin of replication in DMPK trinucleotide repeat region; plus strand), LOC109461477 (dystrophia myotonica protein kinase repeat instability region; plus strand). Cytogenetic location: 19q13.32.
Variant type: Microsatellite.
Coding change: c.*224CTG[271] on transcript NM_004409.5 (MANE Select); 271 copies in a row of the 3-base unit CTG starting at c.*224.
Molecular consequence: 3 prime UTR variant.
Genome position: GRCh38, VCF-style position (the base before the change): chr19:45,770,204. GRCh37 (hg19), VCF-style position (the base before the change): chr19:46,273,462.
Other names: DM1 CTG repeat expansion; c.*217CTG[271] (NM_001081562.3, NM_001288765.2, NM_001424166.1 and 2 more transcripts); c.*222_*224TGC[271] (NM_001081563.3); c.*224CTG[271] (NM_001081560.3, NM_001288764.2, NM_001424165.1 and 1 more transcripts); c.*369CTG[271] (NM_001288766.2, NM_001424168.1, NM_001424164.1).
Identifiers: ClinVar variation 187952 (VCV000187952.1), ClinGen allele CA915951750.